The following is an entry in ClinVar:

ClinVar aggregate classification (germline): Uncertain significance (1 of 4 stars; one submission).

Submission:

GeneDx
Classification: Uncertain significance. Last evaluated: 2024-08-21. Review status: criteria provided, single submitter. Criteria: GeneDx Variant Classification Process June 2021. Collection method: clinical testing. Allele origin: germline. Affected: yes.
Comment: Not observed at significant frequency in large population cohorts (gnomAD); In silico analysis supports that this missense variant has a deleterious effect on protein structure/function; Has not been previously published as pathogenic or benign to our knowledge

NM_024496.4(IRF2BPL):c.1415G>C (p.Arg472Pro)

Gene: IRF2BPL (interferon regulatory factor 2 binding protein like; minus strand). Cytogenetic location: 14q24.3.
Variant type: single nucleotide variant.
Coding change: c.1415G>C on transcript NM_024496.4 (MANE Select); coding-DNA position 1415, G replaced by C.
Protein change: p.Arg472Pro; replaces arginine 472 with proline.
Molecular consequence: missense variant.
Genome position (GRCh38, 1-based): chr14:77,026,378, C>G on the plus strand (G>C on the coding strand, the complement: IRF2BPL is on the minus strand). VCF-style: chr14-77026378-C-G. GRCh37 (hg19) VCF-style: chr14-77492721-C-G.
Other names: short protein forms R472P.
Identifiers: ClinVar variation 3764296 (VCV003764296.1).